The following is an entry in ClinVar:

ClinVar aggregate classification (germline): Pathogenic (1 of 4 stars; one submission).

Submission:

Labcorp Genetics (formerly Invitae), Labcorp
Classification: Pathogenic. Last evaluated: 2021-11-09. Review status: criteria provided, single submitter. Criteria: Invitae Variant Classification Sherloc (09022015). Collection method: clinical testing. Allele origin: germline.
Comment: For these reasons, this variant has been classified as Pathogenic. This variant has not been reported in the literature in individuals affected with ALPK3-related conditions. This variant is not present in population databases (gnomAD no frequency). This sequence change creates a premature translational stop signal (p.Gln804*) in the ALPK3 gene. It is expected to result in an absent or disrupted protein product. Loss-of-function variants in ALPK3 are known to be pathogenic (PMID: 21441111, 26846950, 27106955, 34263907).

Literature cited by the submitters: PubMed 21441111; PubMed 26846950; PubMed 27106955; PubMed 34263907.

NM_020778.5(ALPK3):c.1804C>T (p.Gln602Ter)

Gene: ALPK3 (alpha kinase 3; plus strand). Cytogenetic location: 15q25.3.
Variant type: single nucleotide variant.
Coding change: c.1804C>T on transcript NM_020778.5 (MANE Select); coding-DNA position 1804, C replaced by T.
Protein change: p.Gln602Ter; replaces glutamine 602 with a stop codon.
Molecular consequence: nonsense.
Genome position (GRCh38, 1-based): chr15:84,856,542, C>T. VCF-style: chr15-84856542-C-T. GRCh37 (hg19) VCF-style: chr15-85399773-C-T.
Other names: short protein forms Q602*.
Identifiers: ClinVar variation 1452337 (VCV001452337.6), dbSNP rs1442250413, ClinGen allele CA393354766.